The following is an entry in ClinVar:

ClinVar aggregate classification (germline): Uncertain significance. Review status: criteria provided, multiple submitters, no conflicts (2 of 4 stars). 3 submissions from 3 submitters: Uncertain significance (3). Last evaluated 2026-09-21.

Conditions:
Hypertrophic cardiomyopathy. Also called: HYPERTROPHIC MYOCARDIOPATHY. Identifiers: Orphanet 217569, MedGen C0007194, MeSH D002312, MONDO:0005045, HP:0001639.
Cardiovascular phenotype. Identifiers: MedGen CN230736.
Cardiomyopathy (CMYO). Also called: Cardiomyopathies. Identifiers: Orphanet 167848, MedGen C0878544, MONDO:0004994, HP:0001638. Inheritance: Various modes of inheritance.

Allele frequency attached by ClinVar (database versions not stated): ExAC 0.00002; 1000 Genomes Project 30x 0.00016; gnomAD exomes 0.00001; 1000 Genomes Project 0.00020.

Submissions (3):

Molecular Diagnostic Laboratory for Inherited Cardiovascular Disease, Montreal Heart Institute
Classification: Uncertain significance for Cardiovascular phenotype. Last evaluated: 2026-09-21. Review status: criteria provided, single submitter. Criteria: ACMG Guidelines, 2015. Collection method: clinical testing. Allele origin: germline. Affected: yes.
Comment: PM2

Color Diagnostics, LLC DBA Color Health
Classification: Uncertain significance for Cardiomyopathy. Last evaluated: 2025-09-22. Review status: criteria provided, single submitter. Criteria: ACMG Guidelines, 2015. Collection method: clinical testing. Allele origin: germline.
Comment: This variant causes a single nucleotide substitution in the 3' untranslated region of the MYL2 gene. To our knowledge, functional studies have not been reported for this variant nor has this variant been reported in individuals affected with MYL2-related disorders in the literature. This variant has been identified in 2/250400 chromosomes in the general population by the Genome Aggregation Database (gnomAD). The available evidence is insufficient to determine the role of this variant in disease conclusively. Therefore, this variant is classified as a Variant of Uncertain Significance.

All of Us Research Program, National Institutes of Health
Classification: Uncertain significance for Hypertrophic cardiomyopathy. Last evaluated: 2023-04-03. Review status: criteria provided, single submitter. Criteria: ACMG Guidelines, 2015. Collection method: clinical testing. Allele origin: germline. Inheritance: Autosomal dominant inheritance. Observed: 1 variant allele, 1 heterozygote.
Comment: This variant causes a single nucleotide substitution in the 3' untranslated region of the MYL2 gene. To our knowledge, functional studies have not been reported for this variant nor has this variant been reported in individuals affected with cardiovascular disorders in the literature. This variant has been identified in 2/250400 chromosomes in the general population by the Genome Aggregation Database (gnomAD). The available evidence is insufficient to determine the role of this variant in disease conclusively. Therefore, this variant is classified as a Variant of Uncertain Significance.

This study involves interpretation of variants in research participants for the purpose of population health screening. Participant phenotype was not available at the time of variant classification. Additional details can be found in publication PMID: 35346344, PMCID: PMC8962531

NM_000432.4(MYL2):c.*3G>A

Gene: MYL2 (myosin light chain 2; minus strand). Cytogenetic location: 12q24.11.
Variant type: single nucleotide variant.
Coding change: c.*3G>A on transcript NM_000432.4 (MANE Select); 3 bases downstream of the stop codon, G replaced by A.
Molecular consequence: 3 prime UTR variant.
Genome position (GRCh38, 1-based): chr12:110,911,074, C>T on the plus strand (G>A on the coding strand, the complement: MYL2 is on the minus strand). VCF-style: chr12-110911074-C-T. GRCh37 (hg19) VCF-style: chr12-111348878-C-T.
Identifiers: ClinVar variation 918412 (VCV000918412.8), dbSNP rs530713211, ClinGen allele CA042449.